The following is an entry in ClinVar:

ClinVar aggregate classification (germline): Likely pathogenic (1 of 4 stars; one submission).

Conditions:
Hereditary cancer-predisposing syndrome. Also called: Tumor predisposition; Neoplastic Syndromes, Hereditary; Hereditary Cancer Syndrome; Hereditary neoplastic syndrome. Identifiers: Orphanet 140162, MedGen C0027672, MeSH D009386, MONDO:0015356.

Submission:

Molecular Diagnostics Laboratory, Catalan Institute of Oncology
Classification: Likely pathogenic for Hereditary cancer-predisposing syndrome. Last evaluated: 2025-02-20. Review status: criteria provided, single submitter. Criteria: ACMG Guidelines, 2015. Collection method: clinical testing. Allele origin: germline.
Comment: PVS1, PM2_Supporting c.1271_1275del, located in exon 13 of the BAP1 gene, consists in the deletion of 5 nucleotides, causing a translational frameshift with a predicted alternate stop codon (p.(Gly424Alafs*9)). This alteration isexpected to result in loss of function by premature protein truncation and nonsense-mediated mRNA decay (PVS1). It is not present in the population database gnomAD v2.1.1, non-cancer dataset (PM2_supporting). The SpliceAI algorithm predicts no significant impact on splicing. This variant has not been reported in the ClinVar database or LOVD. Based on currently available information, the variant c.1271_1275del should be considered a likely pathogenic variant according to ACMG/AMP classification guidelines.

NM_004656.4(BAP1):c.1271_1275del (p.Gly424fs)

Gene: BAP1 (BRCA1 associated deubiquitinase 1; minus strand). Cytogenetic location: 3p21.1.
Variant type: Deletion.
Coding change: c.1271_1275del on transcript NM_004656.4 (MANE Select); coding-DNA positions 1271 to 1275, 5 bases deleted (GGAAG; older notation c.1271_1275delGGAAG).
Protein change: p.Gly424fs; shifts the reading frame from glycine 424.
Molecular consequence: frameshift variant.
Genome position (GRCh38, 1-based): chr3:52,403,870-52,403,874, CTTCC deleted on the plus strand (GGAAG on the coding strand, the reverse complement: BAP1 is on the minus strand); deleting any 5 consecutive bases within chr3:52,403,870-52,403,876 gives the same sequence; the c. name uses the placement nearest the transcript's 3' end. VCF-style (leftmost placement, unchanged base first): chr3-52403869-GCTTCC-G. GRCh37 (hg19) VCF-style: chr3-52437885-GCTTCC-G.
Other names: c.1217_1221del, p.Gly406fs (NM_001410772.1); short protein forms G406fs, G424fs.
Identifiers: ClinVar variation 3891307 (VCV003891307.1).